The following is an entry in ClinVar:

NM_001114753.3(ENG):c.892G>C (p.Gly298Arg)

Gene: ENG (endoglin; minus strand). Cytogenetic location: 9q34.11.
Variant type: single nucleotide variant.
Coding change: c.892G>C on transcript NM_001114753.3 (MANE Select); coding-DNA position 892, G replaced by C.
Protein change: p.Gly298Arg; replaces glycine 298 with arginine.
Molecular consequence: missense variant.
Genome position (GRCh38, 1-based): chr9:127,824,899, C>G on the plus strand (G>C on the coding strand, the complement: ENG is on the minus strand). VCF-style: chr9-127824899-C-G. GRCh37 (hg19) VCF-style: chr9-130587178-C-G.
Other names: c.892G>C, p.Gly298Arg (NM_000118.4, NM_001406715.1); c.346G>C, p.Gly116Arg (NM_001278138.2); short protein forms G116R, G298R.
Identifiers: ClinVar variation 3657735 (VCV003657735.2).

ClinVar aggregate classification (germline): Uncertain significance (1 of 4 stars; one submission).

Conditions:
Hereditary hemorrhagic telangiectasia (HHT). Also called: ORW DISEASE; Osler Weber Rendu syndrome; OSLER-RENDU-WEBER DISEASE; Osler hemorrhagic telangiectasia syndrome. Identifiers: Orphanet 774, MedGen C0039445, MONDO:0019180. Disease mechanism: loss of function.

Submission:

Labcorp Genetics (formerly Invitae), Labcorp
Classification: Uncertain significance for Hereditary hemorrhagic telangiectasia. Last evaluated: 2024-06-25. Review status: criteria provided, single submitter. Criteria: Invitae Variant Classification Sherloc (09022015). Collection method: clinical testing. Allele origin: germline.
Comment: This sequence change replaces glycine, which is neutral and non-polar, with arginine, which is basic and polar, at codon 298 of the ENG protein (p.Gly298Arg). This variant is not present in population databases (gnomAD no frequency). This variant has not been reported in the literature in individuals affected with ENG-related conditions. Advanced modeling of protein sequence and biophysical properties (such as structural, functional, and spatial information, amino acid conservation, physicochemical variation, residue mobility, and thermodynamic stability) performed at Invitae indicates that this missense variant is expected to disrupt ENG protein function with a positive predictive value of 95%. In summary, the available evidence is currently insufficient to determine the role of this variant in disease. Therefore, it has been classified as a Variant of Uncertain Significance.